The following is an entry in ClinVar:

ClinVar aggregate classification (germline): Conflicting classifications of pathogenicity. Review status: criteria provided, conflicting classifications (1 of 4 stars). 3 submissions from 3 submitters: Pathogenic (1); Uncertain significance (2). Last evaluated 2026-06-17.

Conditions:
Retinal dystrophy. Also called: Inherited retinal dystrophy. Identifiers: Orphanet 71862, MedGen C0854723, MeSH D058499, MONDO:0019118, HP:0000556.
ENHANCED S-CONE SYNDROME 1 (ESCS1). Also called: RETINOSCHISIS WITH EARLY HEMERALOPIA; FAVRE HYALOIDEORETINAL DEGENERATION. Identifiers: MedGen CN380299, OMIM 268100.
Retinitis pigmentosa (RP). Identifiers: Orphanet 791, MedGen C0035334, MeSH D012174, MONDO:0019200, OMIM 268000. Inheritance: Autosomal dominant, autosomal recessive and X linked inheritance.

Allele frequency attached by ClinVar (database versions not stated): gnomAD exomes below 0.00001; gnomAD 0.00001.
gnomAD v4.1: 2 of 1,581,402 alleles (0.00013%); highest among the groups gnomAD compares: African/African-American, 0.0014%; no homozygotes.

Submissions (3):

Myriad Genetics, Inc.
Classification: Uncertain significance for ENHANCED S-CONE SYNDROME 1. Last evaluated: 2026-06-17. Review status: criteria provided, single submitter. Criteria: Myriad Autosomal Dominant, Autosomal Recessive and X-Linked Classification Criteria (2023). Collection method: clinical testing. Allele origin: unknown.
Comment: NM_014249.2(NR2E3):c.563C>G(P188R) is a missense variant classified as a variant of uncertain significance in the context of enhanced S-cone syndrome. P188R has been observed in a case with relevant disease (PMID: 32531858). Relevant functional assessments of this variant are not available in the literature. P188R has not been observed in referenced population frequency databases. In summary, there is insufficient evidence to classify NM_014249.2(NR2E3):c.563C>G(P188R) as pathogenic or benign. Please note: this variant was assessed in the context of healthy population screening.

Molecular Genetics Laboratory, Institute for Ophthalmic Research
Classification: Pathogenic for Retinitis pigmentosa. Last evaluated: 2020-01-09. Review status: criteria provided, single submitter. Criteria: ACMG Guidelines, 2015. Collection method: research. Allele origin: germline. Affected: yes.

Institute of Human Genetics, Univ. Regensburg, Univ. Regensburg
Classification: Uncertain significance for Retinal dystrophy. Last evaluated: 2017-01-01. Review status: criteria provided, single submitter. Criteria: ACMG Guidelines, 2015. Collection method: clinical testing. Allele origin: germline. Affected: yes.

Literature cited by the submitters: PubMed 32531858 (cited by Myriad Genetics, Inc. and Institute of Human Genetics, Univ. Regensburg, Univ. Regensburg).

NM_014249.4(NR2E3):c.563C>G (p.Pro188Arg)

Gene: NR2E3 (nuclear receptor subfamily 2 group E member 3; plus strand). Cytogenetic location: 15q23.
Variant type: single nucleotide variant.
Coding change: c.563C>G on transcript NM_014249.4 (MANE Select); coding-DNA position 563, C replaced by G.
Protein change: p.Pro188Arg; replaces proline 188 with arginine.
Molecular consequence: missense variant.
Genome position (GRCh38, 1-based): chr15:71,812,168, C>G. VCF-style: chr15-71812168-C-G. GRCh37 (hg19) VCF-style: chr15-72104508-C-G.
Other names: c.563C>G, p.Pro188Arg (NM_016346.4); short protein forms P188R.
Identifiers: ClinVar variation 813055 (VCV000813055.3), dbSNP rs2054189787, ClinGen allele CA393034961.
Genomic context (GRCh38, chr15:71,812,168, plus strand): 5'-CCCTGGGCCACCACTTCATGGCCAGCCTTATAACAGCTGAAACCTGTGCTAAGCTGGAGC[C>G]AGAGGATGGTGAGTGGGAGAGCAGCTGAGGGCACAGCAGGGCTTGGCTTCCCGGGTCACA-3'
Protein context (NP_055064.1, residues 178-198): ITAETCAKLE[Pro188Arg]EDADENIDVT